The following is an entry in ClinVar:

NM_014140.4(SMARCAL1):c.2493C>A (p.Tyr831Ter)

Gene: SMARCAL1 (SNF2 related chromatin remodeling annealing helicase 1; plus strand). Cytogenetic location: 2q35.
Variant type: single nucleotide variant.
Coding change: c.2493C>A on transcript NM_014140.4 (MANE Select); coding-DNA position 2493, C replaced by A.
Protein change: p.Tyr831Ter; replaces tyrosine 831 with a stop codon.
Molecular consequence: nonsense.
Genome position (GRCh38, 1-based): chr2:216,477,174, C>A. VCF-style: chr2-216477174-C-A. GRCh37 (hg19) VCF-style: chr2-217341897-C-A.
Other names: c.2493C>A, p.Tyr831Ter (NM_001127207.2); short protein forms Y831*.
Identifiers: ClinVar variation 4815606 (VCV004815606.1).
Genomic context (GRCh38, chr2:216,477,174, plus strand): 5'-GATCCAGGCTGAGGACCGCGTGCACCGCATTGGACAGACCAGCTCCGTGGGCATTCACTA[C>A]CTCGTGGCAAAGGGCACAGCTGATGACTACCTTTGGTATGGCTTGGTTGGGTGGCCTGGC-3'

ClinVar aggregate classification (germline): Likely pathogenic (1 of 4 stars; one submission).

Conditions:
Schimke immuno-osseous dysplasia (SIOD). Also called: Schimke Immunoosseous Dysplasia. Identifiers: Orphanet 1830, MedGen C0877024, MONDO:0009458, OMIM 242900.

Submission:

Natera, Inc.
Classification: Likely pathogenic for Schimke immuno-osseous dysplasia. Last evaluated: 2025-09-15. Review status: criteria provided, single submitter. Criteria: Natera Variant Classification Schema (03/2026). Collection method: clinical testing. Allele origin: germline.
Comment: The c.2493C>A variant in SMARCAL1 is a nonsense variant predicted to introduce a stop codon at amino acid 831. This variant is expected to result in nonsense mediated decay, truncation, or a dysfunctional protein product. This variant is rare in the general population with a frequency below the threshold expected for the associated phenotype(s). Given the available evidence, this variant is classified as Likely Pathogenic.